The following is an entry in ClinVar:

NM_006755.2(TALDO1):c.871G>A (p.Glu291Lys)

Gene: TALDO1 (transaldolase 1; plus strand). Cytogenetic location: 11p15.5.
Variant type: single nucleotide variant.
Coding change: c.871G>A on transcript NM_006755.2 (MANE Select); coding-DNA position 871, G replaced by A.
Protein change: p.Glu291Lys; replaces glutamic acid 291 with lysine.
Molecular consequence: missense variant.
Genome position (GRCh38, 1-based): chr11:764,323, G>A. VCF-style: chr11-764323-G-A. GRCh37 (hg19) VCF-style: chr11-764323-G-A.
Other names: short protein forms E291K.
Identifiers: ClinVar variation 1398818 (VCV001398818.12), dbSNP rs567606097, ClinGen allele CA5788341.

ClinVar aggregate classification (germline): Uncertain significance. Review status: criteria provided, multiple submitters, no conflicts (2 of 4 stars). 2 submissions from 2 submitters: Uncertain significance (2). Last evaluated 2022-07-24.

Conditions:
Deficiency of transaldolase. Also called: EYAID SYNDROME. Identifiers: Orphanet 101028, MedGen C1291329, MONDO:0011624, OMIM 606003.

Allele frequency attached by ClinVar (database versions not stated): gnomAD 0.00001 and 0.00004; TOPMed 0.00001; gnomAD exomes 0.00002 and 0.00005; ExAC 0.00007; 1000 Genomes Project 30x 0.00016; 1000 Genomes Project 0.00020.
gnomAD v4.1: 39 of 1,614,260 alleles (0.0024%); highest among the groups gnomAD compares: South Asian, 0.034%; no homozygotes.

Submissions (2):

Labcorp Genetics (formerly Invitae), Labcorp
Classification: Uncertain significance. Last evaluated: 2022-07-24. Review status: criteria provided, single submitter. Criteria: Invitae Variant Classification Sherloc (09022015). Collection method: clinical testing. Allele origin: germline.
Comment: In summary, the available evidence is currently insufficient to determine the role of this variant in disease. Therefore, it has been classified as a Variant of Uncertain Significance. Algorithms developed to predict the effect of missense changes on protein structure and function (SIFT, PolyPhen-2, Align-GVGD) all suggest that this variant is likely to be disruptive. ClinVar contains an entry for this variant (Variation ID: 1398818). This variant has not been reported in the literature in individuals affected with TALDO1-related conditions. This variant is present in population databases (rs567606097, gnomAD 0.04%). This sequence change replaces glutamic acid, which is acidic and polar, with lysine, which is basic and polar, at codon 291 of the TALDO1 protein (p.Glu291Lys).

Revvity Omics, Revvity
Classification: Uncertain significance for Deficiency of transaldolase. Last evaluated: 2021-11-29. Review status: criteria provided, single submitter. Criteria: ACMG Guidelines, 2015. Collection method: clinical testing. Allele origin: germline.